The following is an entry in ClinVar:

NM_004522.3(KIF5C):c.865C>T (p.Gln289Ter)

Gene: KIF5C (kinesin family member 5C; plus strand). Cytogenetic location: 2q23.1.
Variant type: single nucleotide variant.
Coding change: c.865C>T on transcript NM_004522.3 (MANE Select); coding-DNA position 865, C replaced by T.
Protein change: p.Gln289Ter; replaces glutamine 289 with a stop codon.
Molecular consequence: nonsense. On other transcripts: non-coding transcript variant (1).
Genome position (GRCh38, 1-based): chr2:148,950,359, C>T. VCF-style: chr2-148950359-C-T. GRCh37 (hg19) VCF-style: chr2-149806873-C-T.
Other names: short protein forms Q289*.
Identifiers: ClinVar variation 3777673 (VCV003777673.1).
Genomic context (GRCh38, chr2:148,950,359, plus strand): 5'-TCTTTTCCTAAATAGAAAACACATGTGCCATACCGGGACAGCAAGATGACTCGGATTCTT[C>T]AGGACTCTTTGGGTGGGAACTGCAGAACCACCATCGTCATTTGCTGTTCTCCTTCTGTCT-3'

ClinVar aggregate classification (germline): Uncertain significance (1 of 4 stars; one submission).

Submission:

GeneDx
Classification: Uncertain significance. Last evaluated: 2024-10-14. Review status: criteria provided, single submitter. Criteria: GeneDx Variant Classification Process June 2021. Collection method: clinical testing. Allele origin: germline. Affected: yes.
Comment: Not observed at significant frequency in large population cohorts (gnomAD); Nonsense variant predicted to result in protein truncation or nonsense mediated decay in a gene for which loss-of-function is not a known/ an established mechanism of disease; Has not been previously published as pathogenic or benign to our knowledge